The following is an entry in ClinVar:

NM_021625.5(TRPV4):c.16G>A (p.Glu6Lys)

Gene: TRPV4 (transient receptor potential cation channel subfamily V member 4; minus strand). Cytogenetic location: 12q24.11.
Variant type: single nucleotide variant.
Coding change: c.16G>A on transcript NM_021625.5 (MANE Select); coding-DNA position 16, G replaced by A.
Protein change: p.Glu6Lys; replaces glutamic acid 6 with lysine.
Molecular consequence: missense variant.
Genome position (GRCh38, 1-based): chr12:109,814,781, C>T on the plus strand (G>A on the coding strand, the complement: TRPV4 is on the minus strand). VCF-style: chr12-109814781-C-T. GRCh37 (hg19) VCF-style: chr12-110252586-C-T.
Other names: c.16G>A, p.Glu6Lys (NM_001177428.2, NM_001177431.2, NM_001177433.2 and 1 more transcripts); short protein forms E6K.
Identifiers: ClinVar variation 1520677 (VCV001520677.24), dbSNP rs769769057, ClinGen allele CA6780641.

ClinVar aggregate classification (germline): Uncertain significance. Review status: criteria provided, multiple submitters, no conflicts (2 of 4 stars). 2 submissions from 2 submitters: Uncertain significance (2). Last evaluated 2025-01-09.

Conditions:
Charcot-Marie-Tooth disease axonal type 2C (HMSN2C). Also called: Charcot-Marie-Tooth Disease Type 2, TRPV4-Related (CMT2C); CHARCOT-MARIE-TOOTH DISEASE, AXONAL, AUTOSOMAL DOMINANT, TYPE 2C; Charcot-Marie-Tooth Neuropathy Type 2C. Identifiers: Orphanet 99937, MedGen C1853710, MONDO:0011633, OMIM 606071.

Allele frequency attached by ClinVar (database versions not stated): TOPMed below 0.00001; gnomAD exomes 0.00001.

Submissions (2):

Labcorp Genetics (formerly Invitae), Labcorp
Classification: Uncertain significance for Charcot-Marie-Tooth disease axonal type 2C. Last evaluated: 2025-01-09. Review status: criteria provided, single submitter. Criteria: Invitae Variant Classification Sherloc (09022015). Collection method: clinical testing. Allele origin: germline.
Comment: This sequence change replaces glutamic acid, which is acidic and polar, with lysine, which is basic and polar, at codon 6 of the TRPV4 protein (p.Glu6Lys). This variant is present in population databases (rs769769057, gnomAD 0.009%). This variant has not been reported in the literature in individuals affected with TRPV4-related conditions. ClinVar contains an entry for this variant (Variation ID: 1520677). Invitae Evidence Modeling of protein sequence and biophysical properties (such as structural, functional, and spatial information, amino acid conservation, physicochemical variation, residue mobility, and thermodynamic stability) indicates that this missense variant is not expected to disrupt TRPV4 protein function with a negative predictive value of 95%. In summary, the available evidence is currently insufficient to determine the role of this variant in disease. Therefore, it has been classified as a Variant of Uncertain Significance.

CeGaT Center for Human Genetics Tuebingen
Classification: Uncertain significance. Last evaluated: 2024-10-01. Review status: criteria provided, single submitter. Criteria: CeGaT Center For Human Genetics Tuebingen Variant Classification Criteria Version 2. Collection method: clinical testing. Allele origin: germline. Affected: yes. Observed: 2 variant alleles.